The following is an entry in ClinVar:

ClinVar aggregate classification (germline): Pathogenic (1 of 4 stars; one submission).

Conditions:
Joubert syndrome. Also called: CEREBELLOPARENCHYMAL DISORDER IV; JOUBERT-BOLTSHAUSER SYNDROME; Familial aplasia of the vermis. Identifiers: Orphanet 475, MedGen C5979921, MONDO:0018772.

Submission:

Labcorp Genetics (formerly Invitae), Labcorp
Classification: Pathogenic for Joubert syndrome. Last evaluated: 2022-06-20. Review status: criteria provided, single submitter. Criteria: Invitae Variant Classification Sherloc (09022015). Collection method: clinical testing. Allele origin: germline.
Comment: Algorithms developed to predict the effect of sequence changes on RNA splicing suggest that this variant may disrupt the consensus splice site. This variant has not been reported in the literature in individuals affected with AHI1-related conditions. This variant is not present in population databases (gnomAD no frequency). This sequence change creates a premature translational stop signal (p.Lys300Asnfs*27) in the AHI1 gene. It is expected to result in an absent or disrupted protein product. Loss-of-function variants in AHI1 are known to be pathogenic (PMID: 15322546, 16453322, 28442542, 29186038). For these reasons, this variant has been classified as Pathogenic.

Literature cited by the submitters: PubMed 15322546; PubMed 16453322; PubMed 28442542; PubMed 29186038.

NM_001134831.2(AHI1):c.900del (p.Lys300fs)

Gene: AHI1 (Abelson helper integration site 1; minus strand). Cytogenetic location: 6q23.3.
Variant type: Deletion.
Coding change: c.900del on transcript NM_001134831.2 (MANE Select); coding-DNA position 900, one base deleted (A; older notation c.900delA).
Protein change: p.Lys300fs; shifts the reading frame from lysine 300.
Molecular consequence: frameshift variant.
Genome position (GRCh38, 1-based): chr6:135,463,156, T deleted on the plus strand (A on the coding strand, the reverse complement: AHI1 is on the minus strand); the first of 3 consecutive T bases (chr6:135,463,156-135,463,158); deleting any one gives the same sequence. VCF-style (leftmost placement, unchanged base first): chr6-135463155-GT-G. GRCh37 (hg19) VCF-style: chr6-135784293-GT-G.
Other names: c.900del, p.Lys300fs (NM_001134830.2, NM_001134832.2, NM_001350503.2 and 2 more transcripts); short protein forms K300fs.
Identifiers: ClinVar variation 1451750 (VCV001451750.6), dbSNP rs2128092639, ClinGen allele CA2573140541.